The following is an entry in ClinVar:

ClinVar aggregate classification (germline): Uncertain significance. Review status: criteria provided, multiple submitters, no conflicts (2 of 4 stars). 4 submissions from 4 submitters: Uncertain significance (4). Last evaluated 2025-09-29.

Allele frequency attached by ClinVar (database versions not stated): TOPMed 0.00010; gnomAD 0.00011 and 0.00012; gnomAD exomes 0.00016 and 0.00029; ExAC 0.00017; ESP Exome Variant Server 0.00024.

Submissions (4):

Women's Health and Genetics/Laboratory Corporation of America, LabCorp
Classification: Uncertain significance. Last evaluated: 2025-09-29. Review status: criteria provided, single submitter. Criteria: LabCorp Variant Classification Summary - May 2015. Collection method: clinical testing. Allele origin: germline.
Comment: Variant summary: CCDC8 c.1555delA (p.Arg519GlyfsX3) results in a premature termination codon, predicted to cause a truncation of the encoded protein, however current evidence is not sufficient to establish loss of function as a mechanism for disease, and no downtream pathogenic variants are associated with disease. The variant allele was found at a frequency of 0.00016 in 251448 control chromosomes. This frequency is not significantly higher than estimated for disease-causing variants in CCDC8, allowing no conclusion about variant significance. To our knowledge, no occurrence of c.1555delA in individuals affected with CCDC8-related conditions and no experimental evidence demonstrating its impact on protein function have been reported. ClinVar contains an entry for this variant (Variation ID: 452737). Based on the evidence outlined above, the variant was classified as uncertain significance.

Blueprint Genetics
Classification: Uncertain significance. Last evaluated: 2024-09-10. Review status: criteria provided, single submitter. Criteria: ACMG Guidelines, 2015. Collection method: clinical testing. Allele origin: germline.

Labcorp Genetics (formerly Invitae), Labcorp
Classification: Uncertain significance. Last evaluated: 2022-08-08. Review status: criteria provided, single submitter. Criteria: Invitae Variant Classification Sherloc (09022015). Collection method: clinical testing. Allele origin: germline.
Comment: This sequence change creates a premature translational stop signal (p.Arg519Glyfs*3) in the CCDC8 gene. While this is not anticipated to result in nonsense mediated decay, it is expected to disrupt the last 20 amino acid(s) of the CCDC8 protein. This variant is present in population databases (rs745914961, gnomAD 0.09%). This variant has not been reported in the literature in individuals affected with CCDC8-related conditions. ClinVar contains an entry for this variant (Variation ID: 452737). Experimental studies and prediction algorithms are not available or were not evaluated, and the functional significance of this variant is currently unknown. In summary, the available evidence is currently insufficient to determine the role of this variant in disease. Therefore, it has been classified as a Variant of Uncertain Significance.

GeneDx
Classification: Uncertain significance. Last evaluated: 2017-10-10. Review status: criteria provided, single submitter. Criteria: GeneDx Variant Classification (06012015). Collection method: clinical testing. Allele origin: germline. Affected: yes.
Comment: The c.1555delA variant in the CCDC8 gene has not been reported previously as a pathogenic variant nor as a benign variant, to our knowledge. The c.1555delA variant causes a frameshift starting with codon Arginine 519, changes this amino acid to a Glycine residue, and creates a premature Stop codon at position 3 of the new reading frame, denoted p.Arg519GlyfsX3. This variant is predicted to cause loss of normal protein function through protein truncation. The c.1555delA variant is observed in 9/10,150 (0.088%) alleles from individuals of Ashkenazi Jewish background, in the ExAC dataset (Lek et al., 2016). We interpret c.1555delA as a variant of uncertain significance.

NM_032040.5(CCDC8):c.1555del (p.Arg519fs)

Gene: CCDC8 (coiled-coil domain containing 8 subunit of 3M complex; minus strand). Cytogenetic location: 19q13.32.
Variant type: Deletion.
Coding change: c.1555del on transcript NM_032040.5 (MANE Select); coding-DNA position 1555, one base deleted (A; older notation c.1555delA).
Protein change: p.Arg519fs; shifts the reading frame from arginine 519.
Molecular consequence: frameshift variant.
Genome position (GRCh38, 1-based): chr19:46,411,256, T deleted on the plus strand (A on the coding strand, the reverse complement: CCDC8 is on the minus strand). VCF-style (leftmost placement, unchanged base first): chr19-46411255-CT-C. GRCh37 (hg19) VCF-style: chr19-46914512-CT-C.
Other names: c.1555delA (NM_032040.5); short protein forms R519fs.
Identifiers: ClinVar variation 452737 (VCV000452737.9), dbSNP rs745914961, ClinGen allele CA9528450.